The following is an entry in ClinVar:

NM_001184880.2(PCDH19):c.2767C>A (p.Arg923=)

Gene: PCDH19 (protocadherin 19; minus strand). Cytogenetic location: Xq22.1.
Variant type: single nucleotide variant.
Coding change: c.2767C>A on transcript NM_001184880.2 (MANE Select); coding-DNA position 2767, C replaced by A.
Protein change: p.Arg923=; no amino-acid change (arginine 923 retained).
Molecular consequence: synonymous variant.
Genome position (GRCh38, 1-based): chrX:100,341,984, G>T on the plus strand (C>A on the coding strand, the complement: PCDH19 is on the minus strand). VCF-style: chrX-100341984-G-T. GRCh37 (hg19) VCF-style: chrX-99596982-G-T.
Other names: c.2626C>A, p.Arg876= (NM_001105243.2); c.2623C>A, p.Arg875= (NM_020766.3).
Identifiers: ClinVar variation 510619 (VCV000510619.1), dbSNP rs752763816, ClinGen allele CA10468712.

ClinVar aggregate classification (germline): Likely benign (1 of 4 stars; one submission).

gnomAD v4.1: 2 of 1,207,571 alleles (0.00017%); highest among the groups gnomAD compares: Non-Finnish European, 0.00022%; no homozygotes.

Submission:

GeneDx
Classification: Likely benign. Last evaluated: 2017-07-06. Review status: criteria provided, single submitter. Criteria: GeneDx Variant Classification (06012015). Collection method: clinical testing. Allele origin: germline. Affected: yes.
Comment: This variant is considered likely benign or benign based on one or more of the following criteria: it is a conservative change, it occurs at a poorly conserved position in the protein, it is predicted to be benign by multiple in silico algorithms, and/or has population frequency not consistent with disease.